The following is an entry in ClinVar:

ClinVar aggregate classification (germline): Uncertain significance. Review status: criteria provided, multiple submitters, no conflicts (2 of 4 stars). 2 submissions from 2 submitters: Uncertain significance (2). Last evaluated 2025-12-05.

Allele frequency attached by ClinVar (database versions not stated): gnomAD 0.00001; TOPMed 0.00003; gnomAD exomes 0.00004 and 0.00009; ExAC 0.00006.

Submissions (2):

Labcorp Genetics (formerly Invitae), Labcorp
Classification: Uncertain significance. Last evaluated: 2025-12-05. Review status: criteria provided, single submitter. Criteria: Invitae Variant Classification Sherloc (09022015). Collection method: clinical testing. Allele origin: germline.
Comment: This sequence change replaces isoleucine, which is neutral and non-polar, with phenylalanine, which is neutral and non-polar, at codon 167 of the GHSR protein (p.Ile167Phe). This variant is present in population databases (rs781009805, gnomAD 0.07%), and has an allele count higher than expected for a pathogenic variant. This variant has not been reported in the literature in individuals affected with GHSR-related conditions. ClinVar contains an entry for this variant (Variation ID: 1397925). Invitae Evidence Modeling of protein sequence and biophysical properties (such as structural, functional, and spatial information, amino acid conservation, physicochemical variation, residue mobility, and thermodynamic stability) has been performed for this missense variant. However, the output from this modeling did not meet the statistical confidence thresholds required to predict the impact of this variant on GHSR protein function. In summary, the available evidence is currently insufficient to determine the role of this variant in disease. Therefore, it has been classified as a Variant of Uncertain Significance.

Women's Health and Genetics/Laboratory Corporation of America, LabCorp
Classification: Uncertain significance. Last evaluated: 2024-05-07. Review status: criteria provided, single submitter. Criteria: LabCorp Variant Classification Summary - May 2015. Collection method: clinical testing. Allele origin: germline.
Comment: Variant summary: GHSR c.499A>T (p.Ile167Phe) results in a non-conservative amino acid change located in the GPCR, rhodopsin-like, 7TM domain (IPR017452) of the encoded protein sequence. Four of five in-silico tools predict a damaging effect of the variant on protein function. The variant allele was found at a frequency of 8.8e-05 in 250684 control chromosomes in the gnomAD database, including 1 homozygote. To our knowledge, no occurrence of c.499A>T in individuals affected with Short Stature Due To Growth Hormone Secretagogue Receptor Deficiency and no experimental evidence demonstrating its impact on protein function have been reported. ClinVar contains an entry for this variant (Variation ID: 1397925). Based on the evidence outlined above, the variant was classified as uncertain significance.

NM_198407.2(GHSR):c.499A>T (p.Ile167Phe)

Gene: GHSR (growth hormone secretagogue receptor; minus strand). Cytogenetic location: 3q26.31.
Variant type: single nucleotide variant.
Coding change: c.499A>T on transcript NM_198407.2 (MANE Select); coding-DNA position 499, A replaced by T.
Protein change: p.Ile167Phe; replaces isoleucine 167 with phenylalanine.
Molecular consequence: missense variant.
Genome position (GRCh38, 1-based): chr3:172,447,915, T>A on the plus strand (A>T on the coding strand, the complement: GHSR is on the minus strand). VCF-style: chr3-172447915-T-A. GRCh37 (hg19) VCF-style: chr3-172165705-T-A.
Other names: c.499A>T, p.Ile167Phe (NM_004122.2); short protein forms I167F.
Identifiers: ClinVar variation 1397925 (VCV001397925.8), dbSNP rs781009805, ClinGen allele CA2706457.
Genomic context (GRCh38, chr3:172,447,915, plus strand): 5'-CGTGCTCCACCCCGACTAGCACGAAGATGGGCCCGGCGCTGCAGAAGGCCACGGCCCAGA[T>A]GACGAAGATGACCAGCTTCACCCGCCCCTTGGTGACCACCACCTTGGCCCGGAGTGGGAA-3'
Protein context (NP_940799.1, residues 157-177): KGRVKLVIFV[Ile167Phe]WAVAFCSAGP